The following is an entry in ClinVar:

ClinVar aggregate classification (germline): Likely benign. Review status: criteria provided, single submitter (1 of 4 stars). 2 submissions from 2 submitters: Likely benign (1). 1 of the submissions does not count toward it. Last evaluated 2026-02-01.

Conditions:
SGPL1-related disorder. Also called: SGPL1-related condition. Identifiers: MedGen CN380158.

Allele frequency attached by ClinVar (database versions not stated): gnomAD exomes 0.00004 and 0.00015; ExAC 0.00019; gnomAD 0.00053 and 0.00058; 1000 Genomes Project 0.00060; 1000 Genomes Project 30x 0.00062; TOPMed 0.00063; ESP Exome Variant Server 0.00077.
gnomAD v4.1: 143 of 1,592,404 alleles (0.009%); highest among the groups gnomAD compares: African/African-American, 0.17%; no homozygotes.

Submissions (2):

Labcorp Genetics (formerly Invitae), Labcorp
Classification: Likely benign. Last evaluated: 2026-02-01. Review status: criteria provided, single submitter. Criteria: Invitae Variant Classification Sherloc (09022015). Collection method: clinical testing. Allele origin: germline.

PreventionGenetics, part of Exact Sciences
Classification: Likely benign for SGPL1-related condition. Last evaluated: 2022-04-02. Review status: no assertion criteria provided. Collection method: clinical testing. Allele origin: germline. Not counted in ClinVar's aggregate classification.
Comment: This variant is classified as likely benign based on ACMG/AMP sequence variant interpretation guidelines (Richards et al. 2015 PMID: 25741868, with internal and published modifications).

NM_003901.4(SGPL1):c.409+8G>A

Gene: SGPL1 (sphingosine-1-phosphate lyase 1; plus strand). Cytogenetic location: 10q22.1.
Variant type: single nucleotide variant.
Coding change: c.409+8G>A on transcript NM_003901.4 (MANE Select); 8 bases into the intron after coding-DNA position 409, G replaced by A.
Molecular consequence: intron variant.
Genome position (GRCh38, 1-based): chr10:70,854,863, G>A. VCF-style: chr10-70854863-G-A. GRCh37 (hg19) VCF-style: chr10-72614620-G-A.
Other names: c.409+8G>A (NM_003901.3).
Identifiers: ClinVar variation 1464631 (VCV001464631.10), dbSNP rs371801869, ClinGen allele CA5541162.